The following is an entry in ClinVar:

ClinVar aggregate classification (germline): Uncertain significance (1 of 4 stars; one submission).

Submission:

Labcorp Genetics (formerly Invitae), Labcorp
Classification: Uncertain significance. Last evaluated: 2022-07-13. Review status: criteria provided, single submitter. Criteria: Invitae Variant Classification Sherloc (09022015). Collection method: clinical testing. Allele origin: germline.
Comment: This sequence change replaces glycine, which is neutral and non-polar, with valine, which is neutral and non-polar, at codon 1294 of the LRP5 protein (p.Gly1294Val). This variant is not present in population databases (gnomAD no frequency). This variant has not been reported in the literature in individuals affected with LRP5-related conditions. Algorithms developed to predict the effect of missense changes on protein structure and function are either unavailable or do not agree on the potential impact of this missense change (SIFT: "Deleterious"; PolyPhen-2: "Possibly Damaging"; Align-GVGD: "Class C15"). In summary, the available evidence is currently insufficient to determine the role of this variant in disease. Therefore, it has been classified as a Variant of Uncertain Significance.

NM_002335.4(LRP5):c.3881G>T (p.Gly1294Val)

Gene: LRP5 (LDL receptor related protein 5; plus strand). Cytogenetic location: 11q13.2.
Variant type: single nucleotide variant.
Coding change: c.3881G>T on transcript NM_002335.4 (MANE Select); coding-DNA position 3881, G replaced by T.
Protein change: p.Gly1294Val; replaces glycine 1294 with valine.
Molecular consequence: missense variant.
Genome position (GRCh38, 1-based): chr11:68,433,719, G>T. VCF-style: chr11-68433719-G-T. GRCh37 (hg19) VCF-style: chr11-68201187-G-T.
Other names: c.2138G>T, p.Gly713Val (NM_001291902.2); short protein forms G713V, G1294V.
Identifiers: ClinVar variation 2016605 (VCV002016605.4), dbSNP rs1304454986, ClinGen allele CA381613824.
Genomic context (GRCh38, chr11:68,433,719, plus strand): 5'-TCCCCGGGGCCTGGCGCTGTGACGGCTTTCCCGAGTGCGATGACCAGAGCGACGAGGAGG[G>T]CTGCCCCGTGTGCTCCGCCGCCCAGTTCCCCTGCGCGCGGGGTCAGTGTGTGGACCTGCG-3'
Protein context (NP_002326.2, residues 1284-1304): PECDDQSDEE[Gly1294Val]CPVCSAAQFP